The following is an entry in ClinVar:

ClinVar aggregate classification (germline): Uncertain significance (1 of 4 stars; one submission).

Conditions:
Joubert syndrome. Also called: CEREBELLOPARENCHYMAL DISORDER IV; JOUBERT-BOLTSHAUSER SYNDROME; Familial aplasia of the vermis. Identifiers: Orphanet 475, MedGen C5979921, MONDO:0018772.
Nephronophthisis. Also called: Juvenile Nephronophthisis. Identifiers: Orphanet 655, MedGen C0687120, MONDO:0019005, HP:0000090.
Meckel-Gruber syndrome. Also called: DYSENCEPHALIA SPLANCHNOCYSTICA; GRUBER SYNDROME; Dysencephalia splachnocystica. Identifiers: Orphanet 564, MedGen C0265215, MONDO:0018921.

Allele frequency attached by ClinVar (database versions not stated): gnomAD exomes 0.00001.
gnomAD v4.1: 10 of 1,613,960 alleles (0.00062%); highest among the groups gnomAD compares: Non-Finnish European, 0.00076%; no homozygotes.

Submission:

Labcorp Genetics (formerly Invitae), Labcorp
Classification: Uncertain significance for Joubert syndrome; Meckel-Gruber syndrome; Nephronophthisis. Last evaluated: 2025-03-17. Review status: criteria provided, single submitter. Criteria: Invitae Variant Classification Sherloc (09022015). Collection method: clinical testing. Allele origin: germline.
Comment: This sequence change replaces glutamic acid, which is acidic and polar, with alanine, which is neutral and non-polar, at codon 2259 of the CEP290 protein (p.Glu2259Ala). This variant is not present in population databases (gnomAD no frequency). This variant has not been reported in the literature in individuals affected with CEP290-related conditions. ClinVar contains an entry for this variant (Variation ID: 2156945). Invitae Evidence Modeling of protein sequence and biophysical properties (such as structural, functional, and spatial information, amino acid conservation, physicochemical variation, residue mobility, and thermodynamic stability) has been performed for this missense variant. However, the output from this modeling did not meet the statistical confidence thresholds required to predict the impact of this variant on CEP290 protein function. In summary, the available evidence is currently insufficient to determine the role of this variant in disease. Therefore, it has been classified as a Variant of Uncertain Significance.

NM_025114.4(CEP290):c.6776A>C (p.Glu2259Ala)

Gene: CEP290 (centrosomal protein 290; minus strand). Cytogenetic location: 12q21.32.
Variant type: single nucleotide variant.
Coding change: c.6776A>C on transcript NM_025114.4 (MANE Select); coding-DNA position 6776, A replaced by C.
Protein change: p.Glu2259Ala; replaces glutamic acid 2259 with alanine.
Molecular consequence: missense variant.
Genome position (GRCh38, 1-based): chr12:88,058,890, T>G on the plus strand (A>C on the coding strand, the complement: CEP290 is on the minus strand). VCF-style: chr12-88058890-T-G. GRCh37 (hg19) VCF-style: chr12-88452667-T-G.
Other names: short protein forms E2259A.
Identifiers: ClinVar variation 2156945 (VCV002156945.4), dbSNP rs2499528847, ClinGen allele CA385977333.